The following is an entry in ClinVar:

NM_001009944.3(PKD1):c.9358_9360dup (p.Tyr3120_Glu3121insTyr)

Gene: PKD1 (polycystin 1, transient receptor potential channel interacting; minus strand). Cytogenetic location: 16p13.3.
Variant type: Duplication.
Coding change: c.9358_9360dup on transcript NM_001009944.3 (MANE Select); coding-DNA positions 9358 to 9360, 3 bases duplicated (TAC; older notation c.9358_9360dupTAC).
Protein change: p.Tyr3120_Glu3121insTyr.
Molecular consequence: inframe insertion.
Genome position (GRCh38, 1-based): chr16:2,102,098-2,102,100, GTA duplicated on the plus strand (TAC on the coding strand, the reverse complement: PKD1 is on the minus strand). VCF-style (leftmost placement, unchanged base first): chr16-2102097-C-CGTA. GRCh37 (hg19) VCF-style: chr16-2152098-C-CGTA.
Other names: c.9358_9360dup, p.Tyr3120_Glu3121insTyr (NM_000296.4).
Identifiers: ClinVar variation 4082331 (VCV004082331.1).

ClinVar aggregate classification (germline): Likely pathogenic (1 of 4 stars; one submission).

Conditions:
Polycystic kidney disease, adult type (PKD1). Also called: POLYCYSTIC KIDNEY DISEASE, ADULT, TYPE I; Polycystic Kidney Disease 1, Autosomal Dominant; Polycystic kidney disease 1; Polycystic kidney disease 1, severe; POLYCYSTIC KIDNEY DISEASE 1 WITH OR WITHOUT POLYCYSTIC LIVER DISEASE; Polycystic Kidney, Autosomal Dominant. Identifiers: MedGen C3149841, MONDO:0008263, OMIM 173900.

Submission:

Institute of Human Genetics, University of Leipzig Medical Center
Classification: Likely pathogenic for Polycystic kidney disease, adult type. Last evaluated: 2025-07-28. Review status: criteria provided, single submitter. Criteria: ACMG Guidelines, 2015. Collection method: clinical testing. Allele origin: unknown. Inheritance: Autosomal dominant inheritance. Affected: yes.
Comment: Criteria applied: PM2,PM4,PP3,PP4